The following is an entry in ClinVar:

NC_000009.12:g.35657918T>G

Gene: RMRP (RNA component of mitochondrial RNA processing endoribonuclease; minus strand). Cytogenetic location: 9p13.3.
Variant type: single nucleotide variant.
Genome position: GRCh38 VCF-style: chr9-35657918-T-G. GRCh37 (hg19) VCF-style: chr9-35657915-T-G.
Identifiers: ClinVar variation 2122232 (VCV002122232.4), dbSNP rs983337094, ClinGen allele CA464450801.

ClinVar aggregate classification (germline): Uncertain significance (1 of 4 stars; one submission).

Conditions:
Anauxetic dysplasia. Identifiers: Orphanet 93347, MedGen C1846796, MONDO:0011773.

Submission:

Labcorp Genetics (formerly Invitae), Labcorp
Classification: Uncertain significance for Anauxetic dysplasia. Last evaluated: 2024-05-06. Review status: criteria provided, single submitter. Criteria: Invitae Variant Classification Sherloc (09022015). Collection method: clinical testing. Allele origin: germline.
Comment: This variant occurs in the RMRP gene, which encodes an RNA molecule that does not result in a protein product. This variant is not present in population databases (gnomAD no frequency). This variant has not been reported in the literature in individuals affected with RMRP-related conditions. ClinVar contains an entry for this variant (Variation ID: 2122232). Experimental studies and prediction algorithms are not available or were not evaluated, and the functional significance of this variant is currently unknown. In summary, the available evidence is currently insufficient to determine the role of this variant in disease. Therefore, it has been classified as a Variant of Uncertain Significance.